The following is an entry in ClinVar:

NM_006765.4(TUSC3):c.55_69delinsGC (p.Tyr19fs)

Gene: TUSC3 (tumor suppressor candidate 3; plus strand). Cytogenetic location: 8p22.
Variant type: Indel.
Coding change: c.55_69delinsGC on transcript NM_006765.4 (MANE Select); coding-DNA positions 55 to 69, TACCTGCCCACCGGG replaced by GC.
Protein change: p.Tyr19fs; shifts the reading frame from tyrosine 19.
Molecular consequence: frameshift variant.
Genome position (GRCh38, 1-based): chr8:15,540,485-15,540,499, TACCTGCCCACCGGG replaced by GC. VCF-style: chr8-15540485-TACCTGCCCACCGGG-GC. GRCh37 (hg19) VCF-style: chr8-15397994-TACCTGCCCACCGGG-GC.
Other names: c.55_69delinsGC, p.Tyr19fs (NM_001356429.2, NM_178234.2); short protein forms Y19fs.
Identifiers: ClinVar variation 1710460 (VCV001710460.3), dbSNP rs2486376936, ClinGen allele CA2580078017.

ClinVar aggregate classification (germline): Likely pathogenic (1 of 4 stars; one submission).

Conditions:
Intellectual developmental disorder, autosomal recessive 7. Also called: Intellectual disability, autosomal recessive 7. Identifiers: Orphanet 88616, MedGen C1970197, MONDO:0012615, OMIM 611093.

Submission:

Greenwood Genetic Center Diagnostic Laboratories, Greenwood Genetic Center
Classification: Likely pathogenic for Intellectual developmental disorder, autosomal recessive 7. Last evaluated: 2022-07-26. Review status: criteria provided, single submitter. Criteria: ACMG Guidelines, 2015. Collection method: clinical testing. Allele origin: germline. Affected: yes.
Comment: PVS1, PM2